The following is an entry in ClinVar:

NM_001466.4(FZD2):c.266G>T (p.Arg89Leu)

Gene: FZD2 (frizzled class receptor 2; plus strand). Cytogenetic location: 17q21.31.
Variant type: single nucleotide variant.
Coding change: c.266G>T on transcript NM_001466.4 (MANE Select); coding-DNA position 266, G replaced by T.
Protein change: p.Arg89Leu; replaces arginine 89 with leucine.
Molecular consequence: missense variant.
Genome position (GRCh38, 1-based): chr17:44,557,954, G>T. VCF-style: chr17-44557954-G-T. GRCh37 (hg19) VCF-style: chr17-42635322-G-T.
Other names: short protein forms R89L.
Identifiers: ClinVar variation 2801662 (VCV002801662.3), dbSNP rs1970846327, ClinGen allele CA399791177.
Genomic context (GRCh38, chr17:44,557,954, plus strand): 5'-CAGGCCTAGAGGTGCACCAGTTCTATCCGCTGGTGAAGGTGCAGTGCTCGCCCGAACTGC[G>T]CTTCTTCCTGTGCTCCATGTACGCACCCGTGTGCACCGTGCTGGAACAGGCCATCCCGCC-3'
Protein context (NP_001457.1, residues 79-99): LVKVQCSPEL[Arg89Leu]FFLCSMYAPV

ClinVar aggregate classification (germline): Uncertain significance (1 of 4 stars; one submission).

Submission:

Labcorp Genetics (formerly Invitae), Labcorp
Classification: Uncertain significance. Last evaluated: 2023-07-29. Review status: criteria provided, single submitter. Criteria: Invitae Variant Classification Sherloc (09022015). Collection method: clinical testing. Allele origin: germline.
Comment: This sequence change replaces arginine, which is basic and polar, with leucine, which is neutral and non-polar, at codon 89 of the FZD2 protein (p.Arg89Leu). In summary, the available evidence is currently insufficient to determine the role of this variant in disease. Therefore, it has been classified as a Variant of Uncertain Significance. Advanced modeling of protein sequence and biophysical properties (such as structural, functional, and spatial information, amino acid conservation, physicochemical variation, residue mobility, and thermodynamic stability) performed at Invitae indicates that this missense variant is not expected to disrupt FZD2 protein function. This variant has not been reported in the literature in individuals affected with FZD2-related conditions. This variant is not present in population databases (gnomAD no frequency).